The following is an entry in ClinVar:

NM_000834.5(GRIN2B):c.3818C>A (p.Thr1273Lys)

Gene: GRIN2B (glutamate ionotropic receptor NMDA type subunit 2B; minus strand). Cytogenetic location: 12p13.1.
Variant type: single nucleotide variant.
Coding change: c.3818C>A on transcript NM_000834.5 (MANE Select); coding-DNA position 3818, C replaced by A.
Protein change: p.Thr1273Lys; replaces threonine 1273 with lysine.
Molecular consequence: missense variant.
Genome position (GRCh38, 1-based): chr12:13,563,420, G>T on the plus strand (C>A on the coding strand, the complement: GRIN2B is on the minus strand). VCF-style: chr12-13563420-G-T. GRCh37 (hg19) VCF-style: chr12-13716354-G-T.
Other names: short protein forms T1273K.
Identifiers: ClinVar variation 245918 (VCV000245918.15), dbSNP rs531747728, ClinGen allele CA6460839.

ClinVar aggregate classification (germline): Benign/Likely benign. Review status: criteria provided, multiple submitters, no conflicts (2 of 4 stars). 4 submissions from 4 submitters: Benign (1); Likely benign (2). 1 of the submissions does not count toward it. Last evaluated 2025-09-08.

Conditions:
GRIN2B-related disorder. Also called: GRIN2B-related condition.
Intellectual developmental disorder, autosomal dominant 6, with or without seizures. Also called: Intellectual disability, autosomal dominant 6; GRIN2B-related developmental delay, intellectual disability and autism spectrum disorder. Identifiers: Orphanet 589547, MedGen C3151411, MONDO:0013509, OMIM 613970.
Developmental and epileptic encephalopathy, 27 (DEE27). Also called: Epileptic encephalopathy, early infantile, 27; GRIN2B-Related Neurodevelopmental Disorder. Identifiers: Orphanet 3451, MedGen C4015316, MONDO:0014505, OMIM 616139.

Allele frequency attached by ClinVar (database versions not stated): gnomAD 0.00006; TOPMed 0.00011; 1000 Genomes Project 30x 0.00016; 1000 Genomes Project 0.00020; gnomAD exomes 0.00034; ExAC 0.00043.
gnomAD v4.1: 65 of 1,614,176 alleles (0.004%); highest among the groups gnomAD compares: East Asian, 0.14%; no homozygotes.

Submissions (4):

Labcorp Genetics (formerly Invitae), Labcorp
Classification: Benign for Developmental and epileptic encephalopathy, 27; Intellectual developmental disorder, autosomal dominant 6, with or without seizures. Last evaluated: 2025-09-08. Review status: criteria provided, single submitter. Criteria: Invitae Variant Classification Sherloc (09022015). Collection method: clinical testing. Allele origin: germline.

Blueprint Genetics
Classification: Likely benign. Last evaluated: 2022-08-04. Review status: criteria provided, single submitter. Criteria: ACMG Guidelines, 2015. Collection method: clinical testing. Allele origin: germline.

GeneDx
Classification: Likely benign. Last evaluated: 2020-02-13. Review status: criteria provided, single submitter. Criteria: GeneDx Variant Classification Process June 2021. Collection method: clinical testing. Allele origin: germline. Affected: yes.
Comment: This variant is associated with the following publications: (PMID: 25656819, 27818011)

PreventionGenetics, part of Exact Sciences
Classification: Benign for GRIN2B-related condition. Last evaluated: 2019-10-16. Review status: no assertion criteria provided. Collection method: clinical testing. Allele origin: germline. Not counted in ClinVar's aggregate classification.
Comment: This variant is classified as benign based on ACMG/AMP sequence variant interpretation guidelines (Richards et al. 2015 PMID: 25741868, with internal and published modifications).